The following is an entry in ClinVar:

NM_001365536.1(SCN9A):c.5711G>A (p.Arg1904His)

Genes: SCN1A-AS1 (SCN1A and SCN9A antisense RNA 1; plus strand), SCN9A (sodium voltage-gated channel alpha subunit 9; minus strand). Cytogenetic location: 2q24.3.
Variant type: single nucleotide variant.
Coding change: c.5711G>A on transcript NM_001365536.1 (MANE Select); coding-DNA position 5711, G replaced by A.
Protein change: p.Arg1904His; replaces arginine 1904 with histidine.
Molecular consequence: missense variant.
Genome position (GRCh38, 1-based): chr2:166,198,928, C>T on the plus strand (G>A on the coding strand, the complement: SCN9A is on the minus strand). VCF-style: chr2-166198928-C-T. GRCh37 (hg19) VCF-style: chr2-167055438-C-T.
Other names: c.5678G>A, p.Arg1893His (NM_002977.4); short protein forms R1893H, R1904H.
Identifiers: ClinVar variation 234820 (VCV000234820.24), dbSNP rs79805025, ClinGen allele CA1943628.
Genomic context (GRCh38, chr2:166,198,928, plus strand): 5'-TCATCTCTGTCTCCATCTTTTATGTATATACTTGATATATTTTTGACATTTTGCCTTAAG[C>T]GGTAACGTCTATAAGCACGCTGAATGACAGTAGCAGACACATCCTCTTGTTTCCGTTTTA-3'
Protein context (NP_001352465.1, residues 1894-1914): TVIQRAYRRY[Arg1904His]LRQNVKNISS

ClinVar aggregate classification (germline): Conflicting classifications of pathogenicity. Review status: criteria provided, conflicting classifications (1 of 4 stars). 8 submissions from 6 submitters: Uncertain significance (1); Benign (3); Likely benign (4). Last evaluated 2026-03-10.

Conditions:
SCN9A-related disorder. Also called: SCN9A-related disorders; SCN9A-related condition.
Generalized epilepsy with febrile seizures plus, type 7 (GEFSP7). Also called: GEFS+, TYPE 7. Identifiers: Orphanet 36387, MedGen C2751778, MONDO:0013470, OMIM 613863.
Neuropathy, hereditary sensory and autonomic, type 2A (HSAN2A). Also called: ACROOSTEOLYSIS, GIACCAI TYPE; ACROOSTEOLYSIS, NEUROGENIC; MORVAN DISEASE; NEUROPATHY, CONGENITAL SENSORY; NEUROPATHY, HEREDITARY SENSORY RADICULAR, AUTOSOMAL RECESSIVE; NEUROPATHY, HEREDITARY SENSORY, TYPE IIA. Identifiers: Orphanet 970, MedGen C2752089, MONDO:0024309, OMIM 201300.
Primary erythromelalgia. Also called: SCN9A Erythromelalgia (SCN9A-EM); primary erythermalgia. Identifiers: Orphanet 306577, Orphanet 90026, MedGen C0014805, MONDO:0007571, OMIM 133020.
Channelopathy-associated congenital insensitivity to pain, autosomal recessive. Also called: ASYMBOLIA FOR PAIN; CONGENITAL ANALGESIA, AUTOSOMAL RECESSIVE; Insensitivity to pain, channelopathy-associated. Identifiers: Orphanet 88642, Orphanet 970, MedGen C1855739, MONDO:0009459, OMIM 243000.
Paroxysmal extreme pain disorder (PEXPD). Also called: PAIN, SUBMANDIBULAR, OCULAR, AND RECTAL, WITH FLUSHING; SCN9A Paroxysmal Extreme Pain Disorder (SCN9A-PEPD); RECTAL PAIN, FAMILIAL. Identifiers: Orphanet 46348, MedGen C1833661, MONDO:0008179, OMIM 167400.

Allele frequency attached by ClinVar (database versions not stated): gnomAD exomes 0.00015 and 0.00037; gnomAD 0.00016 and 0.00009; TOPMed 0.00024; ExAC 0.00035; 1000 Genomes Project 0.00140; 1000 Genomes Project 30x 0.00141.
gnomAD v4.1: 244 of 1,613,850 alleles (0.015%); highest among the groups gnomAD compares: East Asian, 0.51%; 1 homozygote.

Submissions (8):

PreventionGenetics, part of Exact Sciences
Classification: Likely benign for SCN9A-related condition. Last evaluated: 2026-03-10. Review status: criteria provided, single submitter. Criteria: ACMG Guidelines, 2015. Collection method: clinical testing. Allele origin: germline.
Comment: This variant is classified as likely benign based on ACMG/AMP sequence variant interpretation guidelines (Richards et al. 2015 PMID: 25741868, with internal and published modifications).

Labcorp Genetics (formerly Invitae), Labcorp
Classification: Benign for Neuropathy, hereditary sensory and autonomic, type 2A; Generalized epilepsy with febrile seizures plus, type 7. Last evaluated: 2026-01-17. Review status: criteria provided, single submitter. Criteria: Invitae Variant Classification Sherloc (09022015). Collection method: clinical testing. Allele origin: germline.

GeneDx
Classification: Likely benign. Last evaluated: 2020-10-15. Review status: criteria provided, single submitter. Criteria: GeneDx Variant Classification Process June 2021. Collection method: clinical testing. Allele origin: germline. Affected: yes.

Illumina Laboratory Services, Illumina
Classification: Likely benign for Channelopathy-associated congenital insensitivity to pain, autosomal recessive. Last evaluated: 2018-01-13. Review status: criteria provided, single submitter. Criteria: ICSL Variant Classification Criteria 13 December 2019. Collection method: clinical testing. Allele origin: germline.
Comment: This variant was observed in the ICSL laboratory as part of a predisposition screen in an ostensibly healthy population. It had not been previously curated by ICSL or reported in the Human Gene Mutation Database (HGMD: prior to June 1st, 2018), and was therefore a candidate for classification through an automated scoring system. Utilizing variant allele frequency, disease prevalence and penetrance estimates, and inheritance mode, an automated score was calculated to assess if this variant is too frequent to cause the disease. Based on the score and internal cut-off values, a variant classified as likely benign is not then subjected to further curation. The score for this variant resulted in a classification of likely benign for this disease.

Illumina Laboratory Services, Illumina
Classification: Benign for Primary erythromelalgia. Last evaluated: 2018-01-13. Review status: criteria provided, single submitter. Criteria: ICSL Variant Classification Criteria 13 December 2019. Collection method: clinical testing. Allele origin: germline.
Comment: This variant was observed in the ICSL laboratory as part of a predisposition screen in an ostensibly healthy population. It had not been previously curated by ICSL or reported in the Human Gene Mutation Database (HGMD: prior to June 1st, 2018), and was therefore a candidate for classification through an automated scoring system. Utilizing variant allele frequency, disease prevalence and penetrance estimates, and inheritance mode, an automated score was calculated to assess if this variant is too frequent to cause the disease. Based on the score and internal cut-off values, a variant classified as benign is not then subjected to further curation. The score for this variant resulted in a classification of benign for this disease.

Illumina Laboratory Services, Illumina
Classification: Benign for Paroxysmal extreme pain disorder. Last evaluated: 2018-01-13. Review status: criteria provided, single submitter. Criteria: ICSL Variant Classification Criteria 13 December 2019. Collection method: clinical testing. Allele origin: germline.
Comment: the same text as in the submission from Illumina Laboratory Services, Illumina above.

Center for Pediatric Genomic Medicine, Children's Mercy Hospital and Clinics
Classification: Likely benign. Last evaluated: 2017-03-29. Review status: criteria provided, single submitter. Criteria: ACMG Guidelines, 2015. Collection method: clinical testing. Allele origin: germline.

ARUP Laboratories, Molecular Genetics and Genomics, ARUP Laboratories
Classification: Uncertain significance. Last evaluated: 2017-01-30. Review status: criteria provided, single submitter. Criteria: ARUP Molecular Germline Variant Investigation Process. Collection method: clinical testing. Allele origin: germline.